The following is an entry in ClinVar:

NM_000038.6(APC):c.4188del (p.Phe1396fs)

Gene: APC (APC regulator of Wnt signaling pathway; plus strand). Cytogenetic location: 5q22.2.
Variant type: Deletion.
Coding change: c.4188del on transcript NM_000038.6 (MANE Select); coding-DNA position 4188, one base deleted (T; older notation c.4188delT).
Protein change: p.Phe1396fs; shifts the reading frame from phenylalanine 1396.
Molecular consequence: frameshift variant. On other transcripts: non-coding transcript variant (2).
Genome position (GRCh38, 1-based): chr5:112,839,782, T deleted; the last of 4 consecutive T bases (chr5:112,839,779-112,839,782); deleting any one gives the same sequence. VCF-style (leftmost placement, unchanged base first): chr5-112839778-GT-G. GRCh37 (hg19) VCF-style: chr5-112175475-GT-G.
Other names: c.4188del, p.Phe1396fs (NM_001127510.3, NM_001354895.2, NM_001407450.1); c.4134del, p.Phe1378fs (NM_001127511.3); c.4242del, p.Phe1414fs (NM_001354896.2, NM_001407447.1, NM_001407448.1 and 1 more transcripts); c.4218del, p.Phe1406fs (NM_001354897.2); c.4113del, p.Phe1371fs (NM_001354898.2); c.4104del, p.Phe1368fs (NM_001354899.2); c.4065del, p.Phe1355fs (NM_001354900.2); c.4011del, p.Phe1337fs (NM_001354901.2, NM_001407453.1); and 11 more; short protein forms F1012fs, F1113fs, F1236fs, F1267fs, F1270fs, F1295fs, F1305fs, F1313fs.
Identifiers: ClinVar variation 2583933 (VCV002583933.1), dbSNP rs2533555341, ClinGen allele CA445964189.
Genomic context (GRCh38, chr5:112,839,778, plus strand): 5'-ACTATGTTCAGGAGACCCCACTCATGTTTAGCAGATGTACTTCTGTCAGTTCACTTGATA[GT>G]TTTGAGAGTCGTTCGATTGCCAGCTCCGTTCAGAGTGAACCATGCAGTGGAATGGTAAGT-3'

ClinVar aggregate classification (germline): Pathogenic (1 of 4 stars; one submission).

Conditions:
Familial adenomatous polyposis 1 (FAP1). Also called: FAMILIAL ADENOMATOUS POLYPOSIS 1, ATTENUATED; POLYPOSIS, ADENOMATOUS INTESTINAL. Identifiers: MedGen C2713442, MONDO:0021056, OMIM 175100. Disease mechanism: loss of function.

Submission:

Myriad Genetics, Inc.
Classification: Pathogenic for Familial adenomatous polyposis 1. Last evaluated: 2023-05-10. Review status: criteria provided, single submitter. Criteria: Myriad Autosomal Dominant, Autosomal Recessive and X-Linked Classification Criteria (2023). Collection method: clinical testing. Allele origin: unknown.
Comment: This variant is considered pathogenic. This variant creates a frameshift predicted to result in premature protein truncation.